The following is an entry in ClinVar:

ClinVar aggregate classification (germline): Uncertain significance (1 of 4 stars; one submission).

Allele frequency attached by ClinVar (database versions not stated): gnomAD exomes below 0.00001; ExAC 0.00001.
gnomAD v4.1: 3 of 1,614,094 alleles (0.00019%); highest among the groups gnomAD compares: Non-Finnish European, 0.00025%; no homozygotes.

Submission:

Labcorp Genetics (formerly Invitae), Labcorp
Classification: Uncertain significance. Last evaluated: 2022-08-06. Review status: criteria provided, single submitter. Criteria: Invitae Variant Classification Sherloc (09022015). Collection method: clinical testing. Allele origin: germline.
Comment: Algorithms developed to predict the effect of missense changes on protein structure and function are either unavailable or do not agree on the potential impact of this missense change (SIFT: "Deleterious"; PolyPhen-2: "Benign"; Align-GVGD: "Class C25"). This sequence change replaces isoleucine, which is neutral and non-polar, with valine, which is neutral and non-polar, at codon 196 of the EXOSC2 protein (p.Ile196Val). This variant is not present in population databases (gnomAD no frequency). This variant has not been reported in the literature in individuals affected with EXOSC2-related conditions. In summary, the available evidence is currently insufficient to determine the role of this variant in disease. Therefore, it has been classified as a Variant of Uncertain Significance.

NM_014285.7(EXOSC2):c.586A>G (p.Ile196Val)

Gene: EXOSC2 (exosome component 2; plus strand). Cytogenetic location: 9q34.12.
Variant type: single nucleotide variant.
Coding change: c.586A>G on transcript NM_014285.7 (MANE Select); coding-DNA position 586, A replaced by G.
Protein change: p.Ile196Val; replaces isoleucine 196 with valine.
Molecular consequence: missense variant. On other transcripts: non-coding transcript variant (1).
Genome position (GRCh38, 1-based): chr9:130,702,224, A>G. VCF-style: chr9-130702224-A-G. GRCh37 (hg19) VCF-style: chr9-133577611-A-G.
Other names: c.508A>G, p.Ile170Val (NM_001282708.1); c.496A>G, p.Ile166Val (NM_001282709.1); short protein forms I166V, I170V, I196V.
Identifiers: ClinVar variation 1715397 (VCV001715397.4), dbSNP rs757541168, ClinGen allele CA5284917.